The following is an entry in ClinVar:

ClinVar aggregate classification (germline): Likely benign. Review status: criteria provided, single submitter (1 of 4 stars). 2 submissions from 2 submitters: Likely benign (1). 1 of the submissions does not count toward it. Last evaluated 2025-11-18.

Conditions:
DSCAML1-related disorder. Also called: DSCAML1-related condition.

Allele frequency attached by ClinVar (database versions not stated): gnomAD exomes 0.00006; ExAC 0.00007; ESP Exome Variant Server 0.00015; gnomAD 0.00015 and 0.00017; 1000 Genomes Project 30x 0.00016; TOPMed 0.00019; 1000 Genomes Project 0.00020.
gnomAD v4.1: 79 of 1,613,776 alleles (0.0049%); highest among the groups gnomAD compares: African/African-American, 0.035%; no homozygotes.

Submissions (2):

Labcorp Genetics (formerly Invitae), Labcorp
Classification: Likely benign. Last evaluated: 2025-11-18. Review status: criteria provided, single submitter. Criteria: Invitae Variant Classification Sherloc (09022015). Collection method: clinical testing. Allele origin: germline.

PreventionGenetics, part of Exact Sciences
Classification: Likely benign for DSCAML1-related condition. Last evaluated: 2019-09-18. Review status: no assertion criteria provided. Collection method: clinical testing. Allele origin: germline. Not counted in ClinVar's aggregate classification.
Comment: This variant is classified as likely benign based on ACMG/AMP sequence variant interpretation guidelines (Richards et al. 2015 PMID: 25741868, with internal and published modifications).

NM_020693.4(DSCAML1):c.2568C>T (p.Pro856=)

Gene: DSCAML1 (DS cell adhesion molecule like 1; minus strand). Cytogenetic location: 11q23.3.
Variant type: single nucleotide variant.
Coding change: c.2568C>T on transcript NM_020693.4 (MANE Select); coding-DNA position 2568, C replaced by T.
Protein change: p.Pro856=; no amino-acid change (proline 856 retained).
Molecular consequence: synonymous variant.
Genome position (GRCh38, 1-based): chr11:117,481,262, G>A on the plus strand (C>T on the coding strand, the complement: DSCAML1 is on the minus strand). VCF-style: chr11-117481262-G-A. GRCh37 (hg19) VCF-style: chr11-117351977-G-A.
Other names: c.2568C>T, p.Pro856= (NM_001367904.1); c.2748C>T (NM_020693.3).
Identifiers: ClinVar variation 1665252 (VCV001665252.10), dbSNP rs367544453, ClinGen allele CA6296956.